The following is an entry in ClinVar:

ClinVar aggregate classification (germline): Uncertain significance (1 of 4 stars; one submission).

Conditions:
Chédiak-Higashi syndrome (CHS). Also called: Chediak-Higashi Syndrome. Identifiers: Orphanet 167, MedGen C0007965, MONDO:0008963, OMIM 214500.

Allele frequency attached by ClinVar (database versions not stated): gnomAD exomes 0.00001; ExAC 0.00005; gnomAD 0.00005; TOPMed 0.00005; ESP Exome Variant Server 0.00015.
gnomAD v4.1: 16 of 1,614,066 alleles (0.00099%); highest among the groups gnomAD compares: African/African-American, 0.015%; no homozygotes.

Submission:

Labcorp Genetics (formerly Invitae), Labcorp
Classification: Uncertain significance for Chédiak-Higashi syndrome. Last evaluated: 2025-01-06. Review status: criteria provided, single submitter. Criteria: Invitae Variant Classification Sherloc (09022015). Collection method: clinical testing. Allele origin: germline.
Comment: This sequence change replaces serine, which is neutral and polar, with proline, which is neutral and non-polar, at codon 2186 of the LYST protein (p.Ser2186Pro). This variant is present in population databases (rs373220977, gnomAD 0.02%). This variant has not been reported in the literature in individuals affected with LYST-related conditions. ClinVar contains an entry for this variant (Variation ID: 970681). Invitae Evidence Modeling of protein sequence and biophysical properties (such as structural, functional, and spatial information, amino acid conservation, physicochemical variation, residue mobility, and thermodynamic stability) indicates that this missense variant is not expected to disrupt LYST protein function with a negative predictive value of 80%. In summary, the available evidence is currently insufficient to determine the role of this variant in disease. Therefore, it has been classified as a Variant of Uncertain Significance.

NM_000081.4(LYST):c.6556T>C (p.Ser2186Pro)

Gene: LYST (lysosomal trafficking regulator; minus strand). Cytogenetic location: 1q42.3.
Variant type: single nucleotide variant.
Coding change: c.6556T>C on transcript NM_000081.4 (MANE Select); coding-DNA position 6556, T replaced by C.
Protein change: p.Ser2186Pro; replaces serine 2186 with proline.
Molecular consequence: missense variant.
Genome position (GRCh38, 1-based): chr1:235,759,297, A>G on the plus strand (T>C on the coding strand, the complement: LYST is on the minus strand). VCF-style: chr1-235759297-A-G. GRCh37 (hg19) VCF-style: chr1-235922597-A-G.
Other names: c.6556T>C, p.Ser2186Pro (NM_001301365.1); short protein forms S2186P.
Identifiers: ClinVar variation 970681 (VCV000970681.5), dbSNP rs373220977, ClinGen allele CA1466350.